The following is an entry in ClinVar:

NM_000455.5(STK11):c.56C>T (p.Ser19Leu)

Gene: STK11 (serine/threonine kinase 11; plus strand). Cytogenetic location: 19p13.3.
Variant type: single nucleotide variant.
Coding change: c.56C>T on transcript NM_000455.5 (MANE Select); coding-DNA position 56, C replaced by T.
Protein change: p.Ser19Leu; replaces serine 19 with leucine.
Molecular consequence: missense variant.
Genome position (GRCh38, 1-based): chr19:1,206,969, C>T. VCF-style: chr19-1206969-C-T. GRCh37 (hg19) VCF-style: chr19-1206968-C-T.
Other names: short protein forms S19L.
Identifiers: ClinVar variation 548908 (VCV000548908.22), dbSNP rs1426026332, ClinGen allele CA402943356.
Genomic context (GRCh38, chr19:1,206,969, plus strand): 5'-CCAGCATGGAGGTGGTGGACCCGCAGCAGCTGGGCATGTTCACGGAGGGCGAGCTGATGT[C>T]GGTGGGTATGGACACGTTCATCCACCGCATCGACTCCACCGAGGTCATCTACCAGCCGCG-3'
Protein context (NP_000446.1, residues 9-29): LGMFTEGELM[Ser19Leu]VGMDTFIHRI

ClinVar aggregate classification (germline): Uncertain significance. Review status: criteria provided, multiple submitters, no conflicts (2 of 4 stars). 9 submissions from 9 submitters: Uncertain significance (8). 1 of the submissions does not count toward it. Last evaluated 2025-08-19.

Conditions:
Peutz-Jeghers syndrome (PJS). Also called: POLYPOSIS, HAMARTOMATOUS INTESTINAL; POLYPS-AND-SPOTS SYNDROME; Peutz-Jeghers polyposis; Periorificial lentiginosis syndrome. Identifiers: Orphanet 2869, MedGen C0031269, MeSH D010580, MONDO:0008280, OMIM 175200.
Hereditary cancer-predisposing syndrome. Also called: Neoplastic Syndromes, Hereditary; Hereditary Cancer Syndrome; Tumor predisposition; Hereditary neoplastic syndrome. Identifiers: Orphanet 140162, MedGen C0027672, MeSH D009386, MONDO:0015356.

Allele frequency attached by ClinVar (database versions not stated): gnomAD exomes below 0.00001 and 0.00001.

Submissions (9):

Dasa
Classification: Uncertain significance. Last evaluated: 2025-08-19. Review status: criteria provided, single submitter. Criteria: DASA Assertion Criteria. Collection method: clinical testing. Allele origin: germline.
Comment: NM_000455.5(STK11):c.56C>T (p.Ser19Leu) is a missense variant that results in the substitution of serine with leucine. This variant is rare in population databases. The currently available literature and clinical evidence are not sufficient to establish a definitive association between this variant and the reported condition. Therefore, this variant is classified as a variant of uncertain significance.

Center for Genomic Medicine, Rigshospitalet, Copenhagen University Hospital
Classification: Uncertain significance. Last evaluated: 2025-03-04. Review status: criteria provided, single submitter. Criteria: ACMG Guidelines, 2015. Collection method: clinical testing. Allele origin: germline.

Ambry Genetics
Classification: Uncertain significance for Hereditary cancer-predisposing syndrome. Last evaluated: 2024-12-02. Review status: criteria provided, single submitter. Criteria: Ambry Variant Classification Scheme 2023. Collection method: clinical testing. Allele origin: germline.
Comment: The p.S19L variant (also known as c.56C>T), located in coding exon 1 of the STK11 gene, results from a C to T substitution at nucleotide position 56. The serine at codon 19 is replaced by leucine, an amino acid with dissimilar properties. This alteration was detected in a cohort of 35 endometrial cancer patients who also had a mismatch repair (MMR) pathogenic mutation (J&oacute;ri B et al. Oncotarget, 2015 Dec;6:41108-22). This amino acid position is highly conserved in available vertebrate species. In addition, the in silico prediction for this alteration is inconclusive. Based on the available evidence, the clinical significance of this variant remains unclear.

All of Us Research Program, National Institutes of Health
Classification: Uncertain significance for Peutz-Jeghers syndrome. Last evaluated: 2023-08-15. Review status: criteria provided, single submitter. Criteria: ACMG Guidelines, 2015. Collection method: clinical testing. Allele origin: germline. Inheritance: Autosomal dominant inheritance. Observed: 2 variant alleles, 2 heterozygotes.
Comment: This missense variant replaces serine with leucine at codon 19 of the STK11 protein. Computational prediction suggests that this variant may not impact protein structure and function (internally defined REVEL score threshold <= 0.5, PMID: 27666373). To our knowledge, functional studies have not been reported for this variant. This variant has not been reported in individuals affected with STK11-related disorders in the literature. This variant has been identified in 1/241614 chromosomes in the general population by the Genome Aggregation Database (gnomAD). The available evidence is insufficient to determine the role of this variant in disease conclusively. Therefore, this variant is classified as a Variant of Uncertain Significance.

This study involves interpretation of variants in research participants for the purpose of population health screening. Participant phenotype was not available at the time of variant classification. Additional details can be found in publication PMID: 35346344, PMCID: PMC8962531

Myriad Genetics, Inc.
Classification: Uncertain significance for Peutz-Jeghers syndrome. Last evaluated: 2023-04-12. Review status: criteria provided, single submitter. Criteria: Myriad Autosomal Dominant, Autosomal Recessive and X-Linked Classification Criteria (2023). Collection method: clinical testing. Allele origin: unknown.
Comment: This variant is classified as a variant of uncertain significance as there is insufficient evidence to determine its impact on protein function and/or cancer risk.

Color Diagnostics, LLC DBA Color Health
Classification: Uncertain significance for Hereditary cancer-predisposing syndrome. Last evaluated: 2022-12-12. Review status: criteria provided, single submitter. Criteria: ACMG Guidelines, 2015. Collection method: clinical testing. Allele origin: germline.
Comment: This missense variant replaces serine with leucine at codon 19 of the STK11 protein. Computational prediction suggests that this variant may not impact protein structure and function (internally defined REVEL score threshold <= 0.5, PMID: 27666373). To our knowledge, functional studies have not been reported for this variant. This variant has not been reported in individuals affected with STK11-related disorders in the literature. This variant has been identified in 1/241614 chromosomes in the general population by the Genome Aggregation Database (gnomAD). The available evidence is insufficient to determine the role of this variant in disease conclusively. Therefore, this variant is classified as a Variant of Uncertain Significance.

Labcorp Genetics (formerly Invitae), Labcorp
Classification: Uncertain significance for Peutz-Jeghers syndrome. Last evaluated: 2022-09-10. Review status: criteria provided, single submitter. Criteria: Invitae Variant Classification Sherloc (09022015). Collection method: clinical testing. Allele origin: germline.
Comment: This sequence change replaces serine, which is neutral and polar, with leucine, which is neutral and non-polar, at codon 19 of the STK11 protein (p.Ser19Leu). This variant is present in population databases (no rsID available, gnomAD 0.0009%). This variant has not been reported in the literature in individuals affected with STK11-related conditions. ClinVar contains an entry for this variant (Variation ID: 548908). Algorithms developed to predict the effect of missense changes on protein structure and function (SIFT, PolyPhen-2, Align-GVGD) all suggest that this variant is likely to be tolerated. In summary, the available evidence is currently insufficient to determine the role of this variant in disease. Therefore, it has been classified as a Variant of Uncertain Significance.

Genome-Nilou Lab
Classification: Uncertain significance for Peutz-Jeghers syndrome. Last evaluated: 2021-07-15. Review status: criteria provided, single submitter. Criteria: ACMG Guidelines, 2015. Collection method: clinical testing. Allele origin: germline. Affected: no.

Counsyl
Classification: Uncertain significance for Peutz-Jeghers syndrome. Last evaluated: 2018-05-15. Review status: no assertion criteria provided. Collection method: clinical testing. Allele origin: unknown. Not counted in ClinVar's aggregate classification.

Literature cited by the submitters: PubMed 26517685 (cited by Ambry Genetics and Counsyl).